The following is an entry in ClinVar:

NM_017841.4(SDHAF2):c.148A>T (p.Ile50Phe)

Gene: SDHAF2 (succinate dehydrogenase complex assembly factor 2; plus strand). Cytogenetic location: 11q12.2.
Variant type: single nucleotide variant.
Coding change: c.148A>T on transcript NM_017841.4 (MANE Select); coding-DNA position 148, A replaced by T.
Protein change: p.Ile50Phe; replaces isoleucine 50 with phenylalanine.
Molecular consequence: missense variant.
Genome position (GRCh38, 1-based): chr11:61,437,736, A>T. VCF-style: chr11-61437736-A-T. GRCh37 (hg19) VCF-style: chr11-61205208-A-T.
Other names: short protein forms I50F.
Identifiers: ClinVar variation 4161219 (VCV004161219.1).

ClinVar aggregate classification (germline): Uncertain significance (1 of 4 stars; one submission).

Conditions:
Hereditary cancer-predisposing syndrome. Also called: Neoplastic Syndromes, Hereditary; Tumor predisposition; Hereditary Cancer Syndrome; Hereditary neoplastic syndrome. Identifiers: Orphanet 140162, MedGen C0027672, MeSH D009386, MONDO:0015356.

Submission:

Ambry Genetics
Classification: Uncertain significance for Hereditary cancer-predisposing syndrome. Last evaluated: 2025-07-28. Review status: criteria provided, single submitter. Criteria: Ambry Variant Classification Scheme 2023. Collection method: clinical testing. Allele origin: germline.
Comment: The p.I50F variant (also known as c.148A>T), located in coding exon 2 of the SDHAF2 gene, results from an A to T substitution at nucleotide position 148. The isoleucine at codon 50 is replaced by phenylalanine, an amino acid with highly similar properties. This amino acid position is conserved. In addition, the in silico prediction for this alteration is inconclusive. Based on the available evidence, the clinical significance of this variant remains unclear.